The following is an entry in ClinVar:

NM_000245.4(MET):c.405C>T (p.Ser135=)

Gene: MET (MET proto-oncogene, receptor tyrosine kinase; plus strand). Cytogenetic location: 7q31.2.
Variant type: single nucleotide variant.
Coding change: c.405C>T on transcript NM_000245.4 (MANE Select); coding-DNA position 405, C replaced by T.
Protein change: p.Ser135=; no amino-acid change (serine 135 retained).
Molecular consequence: synonymous variant. On other transcripts: intron variant (1).
Genome position (GRCh38, 1-based): chr7:116,699,489, C>T. VCF-style: chr7-116699489-C-T. GRCh37 (hg19) VCF-style: chr7-116339543-C-T.
Other names: c.405C>T, p.Ser135= (NM_001127500.3, NM_001324401.3); c.-91+26912C>T (NM_001324402.2); c.405C>T (NM_001127500.2).
Identifiers: ClinVar variation 416926 (VCV000416926.21), dbSNP rs200494620, ClinGen allele CA4447987.

ClinVar aggregate classification (germline): Benign/Likely benign. Review status: criteria provided, multiple submitters, no conflicts (2 of 4 stars). 6 submissions from 6 submitters: Benign (1); Likely benign (4). 1 of the submissions does not count toward it. Last evaluated 2026-01-28.

Conditions:
MET-related disorder. Also called: MET-related condition.
Hereditary cancer-predisposing syndrome. Also called: Tumor predisposition; Neoplastic Syndromes, Hereditary; Hereditary neoplastic syndrome; Hereditary Cancer Syndrome. Identifiers: Orphanet 140162, MedGen C0027672, MeSH D009386, MONDO:0015356.
Renal cell carcinoma. Identifiers: Orphanet 217071, MedGen C0007134, MeSH D002292, MONDO:0005086, HP:0005584.
Papillary renal cell carcinoma type 1 (RCCP1). Also called: RENAL CELL CARCINOMA, PAPILLARY, 1, SOMATIC; Renal adenocarcinoma; Renal cell carcinoma 1; Renal cell carcinoma, somatic. Identifiers: Orphanet 47044, MedGen C1336839, OMIM 605074, HP:0011797.

Allele frequency attached by ClinVar (database versions not stated): gnomAD exomes 0.00001 and 0.00005; ExAC 0.00002; gnomAD 0.00003; 1000 Genomes Project 30x 0.00016; 1000 Genomes Project 0.00020.
gnomAD v4.1: 76 of 1,613,942 alleles (0.0047%); highest among the groups gnomAD compares: East Asian, 0.12%; no homozygotes.

Submissions (6):

Labcorp Genetics (formerly Invitae), Labcorp
Classification: Likely benign for Renal cell carcinoma. Last evaluated: 2026-01-28. Review status: criteria provided, single submitter. Criteria: Invitae Variant Classification Sherloc (09022015). Collection method: clinical testing. Allele origin: germline.

Myriad Genetics, Inc.
Classification: Benign for Papillary renal cell carcinoma type 1. Last evaluated: 2024-11-06. Review status: criteria provided, single submitter. Criteria: Myriad Autosomal Dominant, Autosomal Recessive and X-Linked Classification Criteria (2023). Collection method: clinical testing. Allele origin: unknown.
Comment: This variant is considered benign. This variant is a silent/synonymous amino acid change and it is not expected to impact splicing.

Sema4
Classification: Likely benign for Hereditary cancer-predisposing syndrome. Last evaluated: 2021-06-28. Review status: criteria provided, single submitter. Criteria: Sema4 Curation Guidelines. Collection method: curation. Allele origin: germline.

GeneDx
Classification: Likely benign. Last evaluated: 2021-03-15. Review status: criteria provided, single submitter. Criteria: GeneDx Variant Classification Process June 2021. Collection method: clinical testing. Allele origin: germline. Affected: yes.

Ambry Genetics
Classification: Likely benign for Hereditary cancer-predisposing syndrome. Last evaluated: 2015-10-28. Review status: criteria provided, single submitter. Criteria: Ambry Variant Classification Scheme 2023. Collection method: clinical testing. Allele origin: germline.

PreventionGenetics, part of Exact Sciences
Classification: Likely benign for MET-related condition. Last evaluated: 2022-02-15. Review status: no assertion criteria provided. Collection method: clinical testing. Allele origin: germline. Not counted in ClinVar's aggregate classification.
Comment: This variant is classified as likely benign based on ACMG/AMP sequence variant interpretation guidelines (Richards et al. 2015 PMID: 25741868, with internal and published modifications).